The following is an entry in ClinVar:

NM_006440.5(TXNRD2):c.1223T>C (p.Val408Ala)

Gene: TXNRD2 (thioredoxin reductase 2; minus strand). Cytogenetic location: 22q11.21.
Variant type: single nucleotide variant.
Coding change: c.1223T>C on transcript NM_006440.5 (MANE Select); coding-DNA position 1223, T replaced by C.
Protein change: p.Val408Ala; replaces valine 408 with alanine.
Molecular consequence: missense variant. On other transcripts: non-coding transcript variant (1).
Genome position (GRCh38, 1-based): chr22:19,880,231, A>G on the plus strand (T>C on the coding strand, the complement: TXNRD2 is on the minus strand). VCF-style: chr22-19880231-A-G. GRCh37 (hg19) VCF-style: chr22-19867754-A-G.
Other names: c.1220T>C, p.Val407Ala (NM_001352300.2); c.1133T>C, p.Val378Ala (NM_001352301.2); c.935T>C, p.Val312Ala (NM_001352302.2); short protein forms V312A, V378A, V407A, V408A.
Identifiers: ClinVar variation 4076805 (VCV004076805.1).

ClinVar aggregate classification (germline): Uncertain significance (1 of 4 stars; one submission).

Submission:

GeneDx
Classification: Uncertain significance. Last evaluated: 2025-02-21. Review status: criteria provided, single submitter. Criteria: GeneDx Variant Classification Process June 2021. Collection method: clinical testing. Allele origin: germline. Affected: yes.
Comment: Not observed at significant frequency in large population cohorts (gnomAD); In silico analysis supports that this missense variant has a deleterious effect on protein structure/function; Has not been previously published as pathogenic or benign to our knowledge